The following is an entry in ClinVar:

ClinVar aggregate classification (germline): Uncertain significance. Review status: criteria provided, multiple submitters, no conflicts (2 of 4 stars). 2 submissions from 2 submitters: Uncertain significance (2). Last evaluated 2025-09-06.

Conditions:
Kabuki syndrome 2 (KABUK2). Also called: KDM6A-Related Kabuki Syndrome. Identifiers: Orphanet 2322, MedGen C3275495, MONDO:0010465, OMIM 300867.
Intellectual disability. Also called: Intellectual functioning disability; intellectual disabilities; Intellectual developmental disorder. Identifiers: MedGen C3714756, MeSH D008607, MONDO:0001071, HP:0001249.

gnomAD v4.1: 2 of 1,193,412 alleles (0.00017%); highest among the groups gnomAD compares: Non-Finnish European, 0.00023%; no homozygotes.

Submissions (2):

Labcorp Genetics (formerly Invitae), Labcorp
Classification: Uncertain significance for Kabuki syndrome 2. Last evaluated: 2025-09-06. Review status: criteria provided, single submitter. Criteria: Invitae Variant Classification Sherloc (09022015). Collection method: clinical testing. Allele origin: germline.
Comment: This sequence change replaces histidine, which is basic and polar, with tyrosine, which is neutral and polar, at codon 1056 of the KDM6A protein (p.His1056Tyr). This variant is not present in population databases (gnomAD no frequency). This variant has not been reported in the literature in individuals affected with KDM6A-related conditions. Invitae Evidence Modeling of protein sequence and biophysical properties (such as structural, functional, and spatial information, amino acid conservation, physicochemical variation, residue mobility, and thermodynamic stability) indicates that this missense variant is not expected to disrupt KDM6A protein function with a negative predictive value of 80%. In summary, the available evidence is currently insufficient to determine the role of this variant in disease. Therefore, it has been classified as a Variant of Uncertain Significance.

Cambridge Genomics Laboratory, East Genomic Laboratory Hub, NHS Genomic Medicine Service
Classification: Uncertain significance for Intellectual disability. Last evaluated: 2019-11-08. Review status: criteria provided, single submitter. Criteria: ACGS Best Practice Guidelines for Variant Classification in Rare Disease 2020. Collection method: clinical testing. Allele origin: germline. Affected: yes. Observed: 1 variant allele.

NM_001291415.2(KDM6A):c.3322C>T (p.His1108Tyr)

Gene: KDM6A (lysine demethylase 6A; plus strand). Cytogenetic location: Xp11.3.
Variant type: single nucleotide variant.
Coding change: c.3322C>T on transcript NM_001291415.2 (MANE Select); coding-DNA position 3322, C replaced by T.
Protein change: p.His1108Tyr; replaces histidine 1108 with tyrosine.
Molecular consequence: missense variant. On other transcripts: non-coding transcript variant (1).
Genome position (GRCh38, 1-based): chrX:45,082,597, C>T. VCF-style: chrX-45082597-C-T. GRCh37 (hg19) VCF-style: chrX-44941842-C-T.
Other names: c.3220C>T, p.His1074Tyr (NM_001419813.1, NM_001419810.1); c.3064C>T, p.His1022Tyr (NM_001419814.1, NM_001410742.1); c.2929C>T, p.His977Tyr (NM_001419815.1, NM_001291418.2); c.3166C>T, p.His1056Tyr (NM_021140.4, NM_001419812.1); c.3187C>T, p.His1063Tyr (NM_001291416.2, NM_001419811.1); c.3031C>T, p.His1011Tyr (NM_001291417.2); c.2278C>T, p.His760Tyr (NM_001291421.2); c.3322C>T, p.His1108Tyr (NM_001419809.1); short protein forms H1011Y, H1022Y, H1056Y, H1063Y, H1074Y, H1108Y, H760Y, H977Y.
Identifiers: ClinVar variation 4074835 (VCV004074835.2).